The following is an entry in ClinVar:

ClinVar aggregate classification (germline): Likely pathogenic (1 of 4 stars; one submission).

Conditions:
Hereditary spastic paraplegia 4. Also called: Spastic Paraplegia 4; Spastic paraplegia 4, autosomal dominant; Familial spastic paraplegia autosomal dominant 2. Identifiers: Orphanet 100985, MedGen C1866855, MONDO:0008438, OMIM 182601.

Submission:

Department of Human Genetics, Hannover Medical School
Classification: Likely pathogenic for Hereditary spastic paraplegia 4. Last evaluated: 2025-01-03. Review status: criteria provided, single submitter. Criteria: ACMG Guidelines, 2015. Collection method: clinical testing. Allele origin: germline. Affected: yes.
Comment: ACMG: PVS1, PM2_Supporting

NM_014946.4(SPAST):c.424_425del (p.Lys142fs)

Gene: SPAST (spastin; plus strand). Cytogenetic location: 2p22.3.
Variant type: Deletion.
Coding change: c.424_425del on transcript NM_014946.4 (MANE Select); coding-DNA positions 424 to 425, 2 bases deleted (AA; older notation c.424_425delAA).
Protein change: p.Lys142fs; shifts the reading frame from lysine 142.
Molecular consequence: frameshift variant.
Genome position (GRCh38, 1-based): chr2:32,087,500-32,087,501, AA deleted. VCF-style (leftmost placement, unchanged base first): chr2-32087499-GAA-G. GRCh37 (hg19) VCF-style: chr2-32312568-GAA-G.
Other names: c.421_422del, p.Lys141fs (NM_001363823.2, NM_001363875.2); c.424_425del, p.Lys142fs (NM_001377959.1, NM_199436.2); short protein forms K141fs, K142fs.
Identifiers: ClinVar variation 3393331 (VCV003393331.1).
Genomic context (GRCh38, chr2:32,087,499, plus strand): 5'-AATATTTAGTGTACTCTTCATACGATCTATACAAATAATTTTTTATTTTAAAGCAGGACA[GAA>G]GGAGCAAGCTGTGGAATGGTATAAGAAAGGTATTGAAGAACTGGAAAAAGGAATAGCTGT-3'